The following is an entry in ClinVar:

ClinVar aggregate classification (germline): Uncertain significance (1 of 4 stars; one submission).

gnomAD v4.1: 3 of 1,216,442 alleles (0.00025%); highest among the groups gnomAD compares: Non-Finnish European, 0.00031%; no homozygotes.

Submission:

Athena Diagnostics
Classification: Uncertain significance. Last evaluated: 2025-02-24. Review status: criteria provided, single submitter. Criteria: Athena Diagnostics Criteria. Collection method: clinical testing. Allele origin: unknown.
Comment: Available data are insufficient to determine the clinical significance of the variant at this time. The frequency of this variant in the general population is uninformative in assessment of its pathogenicity. Polyphen and MutationTaster predict this amino acid change may be damaging to the protein.

NM_000435.3(NOTCH3):c.4105G>A (p.Gly1369Arg)

Gene: NOTCH3 (notch receptor 3; minus strand). Cytogenetic location: 19p13.12.
Variant type: single nucleotide variant.
Coding change: c.4105G>A on transcript NM_000435.3 (MANE Select); coding-DNA position 4105, G replaced by A.
Protein change: p.Gly1369Arg; replaces glycine 1369 with arginine.
Molecular consequence: missense variant.
Genome position (GRCh38, 1-based): chr19:15,177,823, C>T on the plus strand (G>A on the coding strand, the complement: NOTCH3 is on the minus strand). VCF-style: chr19-15177823-C-T. GRCh37 (hg19) VCF-style: chr19-15288634-C-T.
Other names: short protein forms G1369R.
Identifiers: ClinVar variation 4682234 (VCV004682234.1).